The following is an entry in ClinVar:

NM_000059.4(BRCA2):c.2675T>G (p.Phe892Cys)

Gene: BRCA2 (BRCA2 DNA repair associated; plus strand). Cytogenetic location: 13q13.1.
Variant type: single nucleotide variant.
Coding change: c.2675T>G on transcript NM_000059.4 (MANE Select); coding-DNA position 2675, T replaced by G.
Protein change: p.Phe892Cys; replaces phenylalanine 892 with cysteine.
Molecular consequence: missense variant. On other transcripts: non-coding transcript variant (1), intron variant (2).
Genome position (GRCh38, 1-based): chr13:32,337,030, T>G. VCF-style: chr13-32337030-T-G. GRCh37 (hg19) VCF-style: chr13-32911167-T-G.
Other names: c.2675T>G, p.Phe892Cys (NM_001406719.1, NM_001406720.1, NM_001432077.1); c.1909+3643T>G (NM_001406721.1); c.424+6000T>G (NM_001406722.1); short protein forms F892C.
Identifiers: ClinVar variation 4842963 (VCV004842963.1).
Genomic context (GRCh38, chr13:32,337,030, plus strand): 5'-AAATAACTGTCAATCCAGACTCTGAAGAACTTTTCTCAGACAATGAGAATAATTTTGTCT[T>G]CCAAGTAGCTAATGAAAGGAATAATCTTGCTTTAGGAAATACTAAGGAACTTCATGAAAC-3'
Protein context (NP_000050.3, residues 882-902): LFSDNENNFV[Phe892Cys]QVANERNNLA

ClinVar aggregate classification (germline): Uncertain significance (1 of 4 stars; one submission).

Conditions:
Hereditary cancer-predisposing syndrome. Also called: Neoplastic Syndromes, Hereditary; Tumor predisposition; Hereditary Cancer Syndrome; Hereditary neoplastic syndrome. Identifiers: Orphanet 140162, MedGen C0027672, MeSH D009386, MONDO:0015356.

Submission:

Ambry Genetics
Classification: Uncertain significance for Hereditary cancer-predisposing syndrome. Last evaluated: 2025-12-16. Review status: criteria provided, single submitter. Criteria: Ambry Variant Classification Scheme 2023. Collection method: clinical testing. Allele origin: germline.
Comment: The p.F892C variant (also known as c.2675T>G), located in coding exon 10 of the BRCA2 gene, results from a T to G substitution at nucleotide position 2675. The phenylalanine at codon 892 is replaced by cysteine, an amino acid with highly dissimilar properties. This amino acid position is conserved. In addition, this alteration is predicted to be tolerated by in silico analysis. Based on the available evidence, the clinical significance of this variant remains unclear.